The following is an entry in ClinVar:

ClinVar aggregate classification (germline): Uncertain significance (1 of 4 stars; one submission).

Submission:

Labcorp Genetics (formerly Invitae), Labcorp
Classification: Uncertain significance. Last evaluated: 2022-02-24. Review status: criteria provided, single submitter. Criteria: Invitae Variant Classification Sherloc (09022015). Collection method: clinical testing. Allele origin: germline.
Comment: In summary, the available evidence is currently insufficient to determine the role of this variant in disease. Therefore, it has been classified as a Variant of Uncertain Significance. Experimental studies and prediction algorithms are not available or were not evaluated, and the functional significance of this variant is currently unknown. This variant has not been reported in the literature in individuals affected with RP1L1-related conditions. This variant is a gross deletion of the genomic region encompassing exon(s) 3 of the RP1L1 gene. While this deletion is not anticipated to lead to nonsense mediated decay, it is expected to disrupt the C-terminus of the protein.

NC_000008.10:g.(?_10473936)_(10474117_?)del

Gene: RP1L1 (RP1 like 1). Cytogenetic location: 8p23.1.
Variant type: Deletion.
Identifiers: ClinVar variation 2427572 (VCV002427572.4).